The following is an entry in ClinVar:

ClinVar aggregate classification (germline): Uncertain significance (1 of 4 stars; one submission).

Conditions:
Cardiovascular phenotype. Identifiers: MedGen CN230736.

Submission:

Ambry Genetics
Classification: Uncertain significance for Cardiovascular phenotype. Last evaluated: 2026-06-28. Review status: criteria provided, single submitter. Criteria: Ambry Variant Classification Scheme 2023. Collection method: clinical testing. Allele origin: germline.
Comment: The p.Y274D variant (also known as c.820T>G), located in coding exon 5 of the CBL gene, results from a T to G substitution at nucleotide position 820. The tyrosine at codon 274 is replaced by aspartic acid, an amino acid with highly dissimilar properties. This amino acid position is conserved. In addition, this alteration is predicted to be deleterious by in silico analysis. Based on the available evidence, the clinical significance of this variant remains unclear.

NM_005188.4(CBL):c.820T>G (p.Tyr274Asp)

Gene: CBL (Cbl proto-oncogene; plus strand). Cytogenetic location: 11q23.3.
Variant type: single nucleotide variant.
Coding change: c.820T>G on transcript NM_005188.4 (MANE Select); coding-DNA position 820, T replaced by G.
Protein change: p.Tyr274Asp; replaces tyrosine 274 with aspartic acid.
Molecular consequence: missense variant.
Genome position (GRCh38, 1-based): chr11:119,274,904, T>G. VCF-style: chr11-119274904-T-G. GRCh37 (hg19) VCF-style: chr11-119145614-T-G.
Other names: short protein forms Y274D.
Identifiers: ClinVar variation 5033729 (VCV005033729.1).